The following is an entry in ClinVar:

ClinVar aggregate classification (germline): Likely benign (1 of 4 stars; one submission).

Submission:

CeGaT Center for Human Genetics Tuebingen
Classification: Likely benign. Last evaluated: 2025-07-01. Review status: criteria provided, single submitter. Criteria: CeGaT Center For Human Genetics Tuebingen Variant Classification Criteria Version 2. Collection method: clinical testing. Allele origin: germline. Affected: yes. Observed: 1 variant allele.
Comment: PIGB: PM2:Supporting, BP4, BP7

NM_004855.5(PIGB):c.1473T>C (p.Asp491=)

Gene: PIGB (phosphatidylinositol glycan anchor biosynthesis class B; plus strand). Cytogenetic location: 15q21.3.
Variant type: single nucleotide variant.
Coding change: c.1473T>C on transcript NM_004855.5 (MANE Select); coding-DNA position 1473, T replaced by C.
Protein change: p.Asp491=; no amino-acid change (aspartic acid 491 retained).
Molecular consequence: synonymous variant.
Genome position (GRCh38, 1-based): chr15:55,354,933, T>C. VCF-style: chr15-55354933-T-C. GRCh37 (hg19) VCF-style: chr15-55647131-T-C.
Identifiers: ClinVar variation 4084591 (VCV004084591.8).